The following is an entry in ClinVar:

NM_002439.5(MSH3):c.302T>G (p.Val101Gly)

Gene: MSH3 (mutS homolog 3; plus strand). Cytogenetic location: 5q14.1.
Variant type: single nucleotide variant.
Coding change: c.302T>G on transcript NM_002439.5 (MANE Select); coding-DNA position 302, T replaced by G.
Protein change: p.Val101Gly; replaces valine 101 with glycine.
Molecular consequence: missense variant.
Genome position (GRCh38, 1-based): chr5:80,656,475, T>G. VCF-style: chr5-80656475-T-G. GRCh37 (hg19) VCF-style: chr5-79952294-T-G.
Other names: c.302T>G (NM_002439.3); short protein forms V101G.
Identifiers: ClinVar variation 2777400 (VCV002777400.4), dbSNP rs2112801709, ClinGen allele CA360266330.

ClinVar aggregate classification (germline): Uncertain significance. Review status: criteria provided, multiple submitters, no conflicts (2 of 4 stars). 2 submissions from 2 submitters: Uncertain significance (2). Last evaluated 2023-10-16.

Conditions:
Hereditary cancer-predisposing syndrome. Also called: Neoplastic Syndromes, Hereditary; Tumor predisposition; Hereditary Cancer Syndrome; Hereditary neoplastic syndrome. Identifiers: Orphanet 140162, MedGen C0027672, MeSH D009386, MONDO:0015356.

Submissions (2):

Ambry Genetics
Classification: Uncertain significance for Hereditary cancer-predisposing syndrome. Last evaluated: 2023-10-16. Review status: criteria provided, single submitter. Criteria: Ambry Variant Classification Scheme 2023. Collection method: clinical testing. Allele origin: germline.
Comment: The p.V101G variant (also known as c.302T>G), located in coding exon 2 of the MSH3 gene, results from a T to G substitution at nucleotide position 302. The valine at codon 101 is replaced by glycine, an amino acid with dissimilar properties. This amino acid position is conserved. In addition, this alteration is predicted to be tolerated by in silico analysis. Since supporting evidence is limited at this time, the clinical significance of this alteration remains unclear.

Labcorp Genetics (formerly Invitae), Labcorp
Classification: Uncertain significance. Last evaluated: 2023-04-08. Review status: criteria provided, single submitter. Criteria: Invitae Variant Classification Sherloc (09022015). Collection method: clinical testing. Allele origin: germline.
Comment: This variant has not been reported in the literature in individuals affected with MSH3-related conditions. In summary, the available evidence is currently insufficient to determine the role of this variant in disease. Therefore, it has been classified as a Variant of Uncertain Significance. An algorithm developed to predict the effect of missense changes on protein structure and function (PolyPhen-2) suggests that this variant is likely to be tolerated. This variant is not present in population databases (gnomAD no frequency). This sequence change replaces valine, which is neutral and non-polar, with glycine, which is neutral and non-polar, at codon 101 of the MSH3 protein (p.Val101Gly).